The following is an entry in ClinVar:

ClinVar aggregate classification (germline): Uncertain significance (1 of 4 stars; one submission).

Conditions:
Fanconi anemia (FA). Also called: Fanconi's anemia. Identifiers: Orphanet 84, MedGen C0015625, MeSH D005199, MONDO:0019391.

Allele frequency attached by ClinVar (database versions not stated): gnomAD exomes below 0.00001.
gnomAD v4.1: 5 of 1,612,762 alleles (0.00031%); highest among the groups gnomAD compares: South Asian, 0.0055%; no homozygotes.

Submission:

Labcorp Genetics (formerly Invitae), Labcorp
Classification: Uncertain significance for Fanconi anemia. Last evaluated: 2020-03-29. Review status: criteria provided, single submitter. Criteria: Invitae Variant Classification Sherloc (09022015). Collection method: clinical testing. Allele origin: germline.
Comment: This sequence change falls in intron 22 of the FANCI gene. It does not directly change the encoded amino acid sequence of the FANCI protein, but it affects a nucleotide within the consensus splice site of the intron. This variant is not present in population databases (ExAC no frequency). This variant has not been reported in the literature in individuals with FANCI-related conditions. Nucleotide substitutions within the consensus splice site are a relatively common cause of aberrant splicing (PMID: 17576681, 9536098). Algorithms developed to predict the effect of sequence changes on RNA splicing suggest that this variant is not likely to affect RNA splicing, but this prediction has not been confirmed by published transcriptional studies. In summary, the available evidence is currently insufficient to determine the role of this variant in disease. Therefore, it has been classified as a Variant of Uncertain Significance.

Literature cited by the submitters: PubMed 17576681; PubMed 9536098.

NM_001113378.2(FANCI):c.2291+5G>A

Gene: FANCI (FA complementation group I; plus strand). Cytogenetic location: 15q26.1.
Variant type: single nucleotide variant.
Coding change: c.2291+5G>A on transcript NM_001113378.2 (MANE Select); 5 bases into the intron after coding-DNA position 2291, G replaced by A.
Molecular consequence: intron variant.
Genome position (GRCh38, 1-based): chr15:89,293,068, G>A. VCF-style: chr15-89293068-G-A. GRCh37 (hg19) VCF-style: chr15-89836299-G-A.
Other names: c.2291+5G>A (NM_018193.3, NM_001376911.1); c.2012+5G>A (NM_001376910.1).
Identifiers: ClinVar variation 1061883 (VCV001061883.4), dbSNP rs1315760080, ClinGen allele CA619513452.
Genomic context (GRCh38, chr15:89,293,068, plus strand): 5'-GTGATGGGAGTTTGTGAGGTTTTAATAGAATACAATTTCTCCATAAGTAGTTTCAGGTAA[G>A]GTTTTGCTATAACTCCATTTGTAATTTGATGAATTCTCCATTTTATTTACATATTTTTAC-3'